The following is an entry in ClinVar:

NM_003235.5(TG):c.3016C>T (p.Gln1006Ter)

Gene: TG (thyroglobulin; plus strand). Cytogenetic location: 8q24.22.
Variant type: single nucleotide variant.
Coding change: c.3016C>T on transcript NM_003235.5 (MANE Select); coding-DNA position 3016, C replaced by T.
Protein change: p.Gln1006Ter; replaces glutamine 1006 with a stop codon.
Molecular consequence: nonsense.
Genome position (GRCh38, 1-based): chr8:132,897,663, C>T. VCF-style: chr8-132897663-C-T. GRCh37 (hg19) VCF-style: chr8-133909908-C-T.
Other names: short protein forms Q1006*.
Identifiers: ClinVar variation 3682851 (VCV003682851.2).

ClinVar aggregate classification (germline): Pathogenic (1 of 4 stars; one submission).

gnomAD v4.1: 2 of 1,614,230 alleles (0.00012%); highest among the groups gnomAD compares: African/African-American, 0.0027%; no homozygotes.

Submission:

Labcorp Genetics (formerly Invitae), Labcorp
Classification: Pathogenic. Last evaluated: 2024-02-16. Review status: criteria provided, single submitter. Criteria: Invitae Variant Classification Sherloc (09022015). Collection method: clinical testing. Allele origin: germline.
Comment: This sequence change creates a premature translational stop signal (p.Gln1006*) in the TG gene. It is expected to result in an absent or disrupted protein product. Loss-of-function variants in TG are known to be pathogenic (PMID: 19837936, 23164529). This variant is not present in population databases (gnomAD no frequency). This variant has not been reported in the literature in individuals affected with TG-related conditions. For these reasons, this variant has been classified as Pathogenic.

Literature cited by the submitters: PubMed 19837936; PubMed 23164529.